The following is an entry in ClinVar:

ClinVar aggregate classification (germline): Pathogenic (1 of 4 stars; one submission).

Conditions:
Combined immunodeficiency due to ZAP70 deficiency (IMD48). Also called: Immunodeficiency 48; ZAP70 Deficiency. Identifiers: Orphanet 911, MedGen C2931299, MONDO:0010023, OMIM 269840.

Submission:

Labcorp Genetics (formerly Invitae), Labcorp
Classification: Pathogenic for Combined immunodeficiency due to ZAP70 deficiency. Last evaluated: 2024-09-23. Review status: criteria provided, single submitter. Criteria: Invitae Variant Classification Sherloc (09022015). Collection method: clinical testing. Allele origin: germline.
Comment: This sequence change creates a premature translational stop signal (p.Cys84*) in the ZAP70 gene. It is expected to result in an absent or disrupted protein product. Loss-of-function variants in ZAP70 are known to be pathogenic (PMID: 8202712). This variant is not present in population databases (gnomAD no frequency). This variant has not been reported in the literature in individuals affected with ZAP70-related conditions. For these reasons, this variant has been classified as Pathogenic.

Literature cited by the submitters: PubMed 8202712.

NM_001079.4(ZAP70):c.252C>A (p.Cys84Ter)

Gene: ZAP70 (zeta chain of T cell receptor associated protein kinase 70; plus strand). Cytogenetic location: 2q11.2.
Variant type: single nucleotide variant.
Coding change: c.252C>A on transcript NM_001079.4 (MANE Select); coding-DNA position 252, C replaced by A.
Protein change: p.Cys84Ter; replaces cysteine 84 with a stop codon.
Molecular consequence: nonsense.
Genome position (GRCh38, 1-based): chr2:97,724,288, C>A. VCF-style: chr2-97724288-C-A. GRCh37 (hg19) VCF-style: chr2-98340751-C-A.
Other names: c.252C>A, p.Cys84Ter (NM_001378594.1); short protein forms C84*.
Identifiers: ClinVar variation 3721398 (VCV003721398.2).